The following is an entry in ClinVar:

NM_000090.4(COL3A1):c.1910C>T (p.Pro637Leu)

Gene: COL3A1 (collagen type III alpha 1 chain; plus strand). Cytogenetic location: 2q32.2.
Variant type: single nucleotide variant.
Coding change: c.1910C>T on transcript NM_000090.4 (MANE Select); coding-DNA position 1910, C replaced by T.
Protein change: p.Pro637Leu; replaces proline 637 with leucine.
Molecular consequence: missense variant.
Genome position (GRCh38, 1-based): chr2:188,997,740, C>T. VCF-style: chr2-188997740-C-T. GRCh37 (hg19) VCF-style: chr2-189862466-C-T.
Other names: short protein forms P637L.
Identifiers: ClinVar variation 3073803 (VCV003073803.1), dbSNP rs1443018018, ClinGen allele CA349853807.

ClinVar aggregate classification (germline): Uncertain significance (1 of 4 stars; one submission).

Conditions:
Ehlers-Danlos syndrome, type 4 (EDSVASC). Also called: Ehlers-Danlos Syndrome Type IV; Ehlers-Danlos syndrome vascular type; Ehlers Danlos syndrome, ecchymotic type; Ehlers Danlos syndrome, arterial type; Ehlers Danlos syndrome, Sack-Barabas type. Identifiers: Orphanet 286, MedGen C0268338, MONDO:0017314, OMIM 130050.

gnomAD v4.1: 2 of 1,613,986 alleles (0.00012%); highest among the groups gnomAD compares: Admixed American, 0.0033%; no homozygotes.

Submission:

All of Us Research Program, National Institutes of Health
Classification: Uncertain significance for Ehlers-Danlos syndrome, type 4. Last evaluated: 2023-10-06. Review status: criteria provided, single submitter. Criteria: ACMG Guidelines, 2015. Collection method: clinical testing. Allele origin: germline. Inheritance: Autosomal dominant inheritance. Observed: 1 variant allele, 1 heterozygote.
Comment: This missense variant replaces proline with leucine at codon 637 of the COL3A1 protein. To our knowledge, functional studies have not been reported for this variant. This variant has not been reported in individuals affected with COL3A1-related disorders in the literature. This variant has been identified in 2/251132 chromosomes in the general population by the Genome Aggregation Database (gnomAD). The available evidence is insufficient to determine the role of this variant in disease conclusively. Therefore, this variant is classified as a Variant of Uncertain Significance.

This study involves interpretation of variants in research participants for the purpose of population health screening. Participant phenotype was not available at the time of variant classification. Additional details can be found in publication PMID: 35346344, PMCID: PMC8962531